The following is an entry in ClinVar:

ClinVar aggregate classification (germline): Uncertain significance (1 of 4 stars; one submission).

Submission:

Labcorp Genetics (formerly Invitae), Labcorp
Classification: Uncertain significance. Last evaluated: 2024-07-31. Review status: criteria provided, single submitter. Criteria: Invitae Variant Classification Sherloc (09022015). Collection method: clinical testing. Allele origin: germline.
Comment: This sequence change replaces lysine, which is basic and polar, with threonine, which is neutral and polar, at codon 438 of the SGPL1 protein (p.Lys438Thr). This variant is not present in population databases (gnomAD no frequency). This variant has not been reported in the literature in individuals affected with SGPL1-related conditions. Advanced modeling of protein sequence and biophysical properties (such as structural, functional, and spatial information, amino acid conservation, physicochemical variation, residue mobility, and thermodynamic stability) performed at Invitae indicates that this missense variant is not expected to disrupt SGPL1 protein function with a negative predictive value of 80%. In summary, the available evidence is currently insufficient to determine the role of this variant in disease. Therefore, it has been classified as a Variant of Uncertain Significance.

NM_003901.4(SGPL1):c.1313A>C (p.Lys438Thr)

Gene: SGPL1 (sphingosine-1-phosphate lyase 1; plus strand). Cytogenetic location: 10q22.1.
Variant type: single nucleotide variant.
Coding change: c.1313A>C on transcript NM_003901.4 (MANE Select); coding-DNA position 1313, A replaced by C.
Protein change: p.Lys438Thr; replaces lysine 438 with threonine.
Molecular consequence: missense variant.
Genome position (GRCh38, 1-based): chr10:70,875,416, A>C. VCF-style: chr10-70875416-A-C. GRCh37 (hg19) VCF-style: chr10-72635173-A-C.
Other names: short protein forms K438T.
Identifiers: ClinVar variation 3680239 (VCV003680239.2).